The following is an entry in ClinVar:

ClinVar aggregate classification (germline): Uncertain significance (1 of 4 stars; one submission).

Conditions:
Hereditary cancer-predisposing syndrome. Also called: Neoplastic Syndromes, Hereditary; Tumor predisposition; Hereditary Cancer Syndrome; Hereditary neoplastic syndrome. Identifiers: Orphanet 140162, MedGen C0027672, MeSH D009386, MONDO:0015356.

Submission:

Ambry Genetics
Classification: Uncertain significance for Hereditary cancer-predisposing syndrome. Last evaluated: 2026-05-11. Review status: criteria provided, single submitter. Criteria: Ambry Variant Classification Scheme 2023. Collection method: clinical testing. Allele origin: germline.
Comment: The p.P714R variant (also known as c.2141C>G), located in coding exon 19 of the TSC2 gene, results from a C to G substitution at nucleotide position 2141. The proline at codon 714 is replaced by arginine, an amino acid with dissimilar properties. This amino acid position is well conserved in available vertebrate species. In addition, this alteration is predicted to be deleterious by in silico analysis. Based on the available evidence, the clinical significance of this variant remains unclear.

NM_000548.5(TSC2):c.2141C>G (p.Pro714Arg)

Gene: TSC2 (TSC complex subunit 2; plus strand). Cytogenetic location: 16p13.3.
Variant type: single nucleotide variant.
Coding change: c.2141C>G on transcript NM_000548.5 (MANE Select); coding-DNA position 2141, C replaced by G.
Protein change: p.Pro714Arg; replaces proline 714 with arginine.
Molecular consequence: missense variant. On other transcripts: non-coding transcript variant (5).
Genome position (GRCh38, 1-based): chr16:2,072,284, C>G. VCF-style: chr16-2072284-C-G. GRCh37 (hg19) VCF-style: chr16-2122285-C-G.
Other names: c.2141C>G, p.Pro714Arg (NM_001114382.3, NM_001363528.2, NM_001370404.1 and 6 more transcripts); c.2030C>G, p.Pro677Arg (NM_001318827.2, NM_001406678.1, NM_001406670.1); c.1994C>G, p.Pro665Arg (NM_001318829.2, NM_001406679.1, NM_001406675.1 and 1 more transcripts); c.1541C>G, p.Pro514Arg (NM_001318831.2, NM_001406680.1, NM_001406682.1 and 6 more transcripts); c.2174C>G, p.Pro725Arg (NM_001318832.2); c.1679C>G, p.Pro560Arg (NM_001406681.1); c.797C>G, p.Pro266Arg (NM_001406697.1, NM_001406689.1, NM_001406690.1 and 6 more transcripts); c.539C>G, p.Pro180Arg (NM_001406698.1); and 3 more; short protein forms P180R, P266R, P514R, P560R, P665R, P677R, P695R, P710R.
Identifiers: ClinVar variation 4866108 (VCV004866108.1).